The following is an entry in ClinVar:

ClinVar aggregate classification (germline): Uncertain significance. Review status: criteria provided, multiple submitters, no conflicts (2 of 4 stars). 3 submissions from 3 submitters: Uncertain significance (3). Last evaluated 2024-10-01.

Conditions:
MEGF10-related myopathy (CMYO10A). Also called: Congenital myopathy 10A, severe variant. Identifiers: Orphanet 439212, MedGen C3280679, MONDO:0013731, OMIM 614399.
Inborn genetic diseases. Identifiers: MedGen C0950123, MeSH D030342.

Allele frequency attached by ClinVar (database versions not stated): TOPMed 0.00002; gnomAD exomes 0.00003 and 0.00004; ExAC 0.00005; gnomAD 0.00002.
gnomAD v4.1: 64 of 1,613,970 alleles (0.004%); highest among the groups gnomAD compares: Non-Finnish European, 0.0053%; no homozygotes.

Submissions (3):

Ambry Genetics
Classification: Uncertain significance for Inborn genetic diseases. Last evaluated: 2024-10-01. Review status: criteria provided, single submitter. Criteria: Ambry Variant Classification Scheme 2023. Collection method: clinical testing. Allele origin: germline.

Revvity Omics, Revvity
Classification: Uncertain significance. Last evaluated: 2024-05-20. Review status: criteria provided, single submitter. Criteria: ACMG Guidelines, 2015. Collection method: clinical testing. Allele origin: germline.

Labcorp Genetics (formerly Invitae), Labcorp
Classification: Uncertain significance for MEGF10-related myopathy. Last evaluated: 2023-07-24. Review status: criteria provided, single submitter. Criteria: Invitae Variant Classification Sherloc (09022015). Collection method: clinical testing. Allele origin: germline.
Comment: In summary, the available evidence is currently insufficient to determine the role of this variant in disease. Therefore, it has been classified as a Variant of Uncertain Significance. Advanced modeling of protein sequence and biophysical properties (such as structural, functional, and spatial information, amino acid conservation, physicochemical variation, residue mobility, and thermodynamic stability) performed at Invitae indicates that this missense variant is expected to disrupt MEGF10 protein function. ClinVar contains an entry for this variant (Variation ID: 842610). This variant has not been reported in the literature in individuals affected with MEGF10-related conditions. This variant is present in population databases (rs755877624, gnomAD 0.006%). This sequence change replaces cysteine, which is neutral and slightly polar, with arginine, which is basic and polar, at codon 191 of the MEGF10 protein (p.Cys191Arg).

NM_001256545.2(MEGF10):c.571T>C (p.Cys191Arg)

Gene: MEGF10 (multiple EGF like domains 10; plus strand). Cytogenetic location: 5q23.2.
Variant type: single nucleotide variant.
Coding change: c.571T>C on transcript NM_001256545.2 (MANE Select); coding-DNA position 571, T replaced by C.
Protein change: p.Cys191Arg; replaces cysteine 191 with arginine.
Molecular consequence: missense variant.
Genome position (GRCh38, 1-based): chr5:127,396,690, T>C. VCF-style: chr5-127396690-T-C. GRCh37 (hg19) VCF-style: chr5-126732382-T-C.
Other names: c.571T>C, p.Cys191Arg (NM_001308119.2, NM_001308121.2, NM_032446.3); short protein forms C191R.
Identifiers: ClinVar variation 842610 (VCV000842610.10), dbSNP rs755877624, ClinGen allele CA3391330.